The following is an entry in ClinVar:

NM_015001.3(SPEN):c.10533C>T (p.Gly3511=)

Gene: SPEN (spen family transcriptional repressor; plus strand). Cytogenetic location: 1p36.13.
Variant type: single nucleotide variant.
Coding change: c.10533C>T on transcript NM_015001.3 (MANE Select); coding-DNA position 10533, C replaced by T.
Protein change: p.Gly3511=; no amino-acid change (glycine 3511 retained).
Molecular consequence: synonymous variant.
Genome position (GRCh38, 1-based): chr1:15,937,835, C>T. VCF-style: chr1-15937835-C-T. GRCh37 (hg19) VCF-style: chr1-16264330-C-T.
Identifiers: ClinVar variation 2578566 (VCV002578566.26), dbSNP rs199632433, ClinGen allele CA620761.
Genomic context (GRCh38, chr1:15,937,835, plus strand): 5'-CCATGAGCTCACTTCCTGTTTGTTTCCCTGTGAGCAGAAGTACCCCATCGTGTGGCAGGG[C>T]CTGCTGGCCCTCAAGAATGACACAGCTGCTGTGCAGCTCCACTTCGTCTCTGGCAACAAC-3'
Protein context (NP_055816.2, residues 3501-3521): LLKKYPIVWQ[Gly3511=]LLALKNDTAA

ClinVar aggregate classification (germline): Likely benign. Review status: criteria provided, multiple submitters, no conflicts (2 of 4 stars). 2 submissions from 2 submitters: Likely benign (2). Last evaluated 2026-09-01.

Allele frequency attached by ClinVar (database versions not stated): 1000 Genomes Project 30x 0.00187; TOPMed 0.00311; gnomAD 0.00340.

Submissions (2):

CeGaT Center for Human Genetics Tuebingen
Classification: Likely benign. Last evaluated: 2026-09-01. Review status: criteria provided, single submitter. Criteria: CeGaT Center For Human Genetics Tuebingen Variant Classification Criteria Version 2. Collection method: clinical testing. Allele origin: germline. Affected: yes. Observed: 16 variant alleles.
Comment: SPEN: BP4, BP7, BS1

Blueprint Genetics
Classification: Likely benign. Last evaluated: 2024-11-07. Review status: criteria provided, single submitter. Criteria: ACMG Guidelines, 2015. Collection method: clinical testing. Allele origin: germline.